The following is an entry in ClinVar:

NM_002718.5(PPP2R3A):c.1615T>A (p.Phe539Ile)

Gene: PPP2R3A (protein phosphatase 2 regulatory subunit B''alpha; plus strand). Cytogenetic location: 3q22.3.
Variant type: single nucleotide variant.
Coding change: c.1615T>A on transcript NM_002718.5 (MANE Select); coding-DNA position 1615, T replaced by A.
Protein change: p.Phe539Ile; replaces phenylalanine 539 with isoleucine.
Molecular consequence: missense variant. On other transcripts: intron variant (1).
Genome position (GRCh38, 1-based): chr3:136,003,113, T>A. VCF-style: chr3-136003113-T-A. GRCh37 (hg19) VCF-style: chr3-135721955-T-A.
Other names: c.-213-23719T>A (NM_001190447.2); short protein forms F539I.
Identifiers: ClinVar variation 3344844 (VCV003344844.1).

ClinVar aggregate classification (germline): Uncertain significance (0 of 4 stars; one submission).

Conditions:
PPP2R3A-related disorder. Also called: PPP2R3A-related condition.

Submission:

PreventionGenetics, part of Exact Sciences
Classification: Uncertain significance for PPP2R3A-related condition. Last evaluated: 2024-09-16. Review status: no assertion criteria provided. Collection method: clinical testing. Allele origin: germline.
Comment: The PPP2R3A c.1615T>A variant is predicted to result in the amino acid substitution p.Phe539Ile. To our knowledge, this variant has not been reported in the literature or in a large population database, indicating this variant is rare. At this time, the clinical significance of this variant is uncertain due to the absence of conclusive functional and genetic evidence.